The following is an entry in ClinVar:

ClinVar aggregate classification (germline): Likely benign (1 of 4 stars; one submission).

Submission:

CeGaT Center for Human Genetics Tuebingen
Classification: Likely benign. Last evaluated: 2025-01-01. Review status: criteria provided, single submitter. Criteria: CeGaT Center For Human Genetics Tuebingen Variant Classification Criteria Version 2. Collection method: clinical testing. Allele origin: germline. Affected: yes. Observed: 1 variant allele.
Comment: FMN2: BP4, BP7

NM_020066.5(FMN2):c.3474C>T (p.Pro1158=)

Gene: FMN2 (formin 2; plus strand). Cytogenetic location: 1q43.
Variant type: single nucleotide variant.
Coding change: c.3474C>T on transcript NM_020066.5 (MANE Select); coding-DNA position 3474, C replaced by T.
Protein change: p.Pro1158=; no amino-acid change (proline 1158 retained).
Molecular consequence: synonymous variant. On other transcripts: intron variant (1).
Genome position (GRCh38, 1-based): chr1:240,208,286, C>T. VCF-style: chr1-240208286-C-T. GRCh37 (hg19) VCF-style: chr1-240371586-C-T.
Other names: c.3486C>T, p.Pro1162= (NM_001305424.2); c.1986+20024C>T (NM_001348094.2).
Identifiers: ClinVar variation 3771183 (VCV003771183.13).